The following is an entry in ClinVar:

NM_001563.4(IMPG1):c.1537G>A (p.Glu513Lys)

Gene: IMPG1 (interphotoreceptor matrix proteoglycan 1; minus strand). Cytogenetic location: 6q14.1.
Variant type: single nucleotide variant.
Coding change: c.1537G>A on transcript NM_001563.4 (MANE Select); coding-DNA position 1537, G replaced by A.
Protein change: p.Glu513Lys; replaces glutamic acid 513 with lysine.
Molecular consequence: missense variant.
Genome position (GRCh38, 1-based): chr6:75,950,849, C>T on the plus strand (G>A on the coding strand, the complement: IMPG1 is on the minus strand). VCF-style: chr6-75950849-C-T. GRCh37 (hg19) VCF-style: chr6-76660566-C-T.
Other names: c.1537G>A (NM_001563.3); c.1303G>A, p.Glu435Lys (NM_001282368.2); short protein forms E513K, E435K.
Identifiers: ClinVar variation 1932916 (VCV001932916.7), dbSNP rs774782339, ClinGen allele CA3898098.
Genomic context (GRCh38, chr6:75,950,849, plus strand): 5'-CCTCAGATGGGGCAGGAGTGTCAGACAGATCCATTTCATCTAGGTGTCTGACCATATCTT[C>T]GCCACCTGCACTTGATCGGCTGTCATCTGAAGATGCAGGTGGATGTGAAATTCCCAGAGC-3'
Protein context (NP_001554.2, residues 503-523): SDDSRSSAGG[Glu513Lys]DMVRHLDEMD

ClinVar aggregate classification (germline): Uncertain significance. Review status: criteria provided, multiple submitters, no conflicts (2 of 4 stars). 3 submissions from 3 submitters: Uncertain significance (3). Last evaluated 2024-03-07.

Conditions:
IMPG1-related disorder. Also called: IMPG1-related condition.

Allele frequency attached by ClinVar (database versions not stated): gnomAD 0.00001; ExAC 0.00002; gnomAD exomes 0.00002; TOPMed 0.00002.
gnomAD v4.1: 25 of 1,613,784 alleles (0.0015%); highest among the groups gnomAD compares: African/African-American, 0.004%; no homozygotes.

Submissions (3):

Blueprint Genetics
Classification: Uncertain significance. Last evaluated: 2024-03-07. Review status: criteria provided, single submitter. Criteria: ACMG Guidelines, 2015. Collection method: clinical testing. Allele origin: germline.

Labcorp Genetics (formerly Invitae), Labcorp
Classification: Uncertain significance. Last evaluated: 2023-08-04. Review status: criteria provided, single submitter. Criteria: Invitae Variant Classification Sherloc (09022015). Collection method: clinical testing. Allele origin: germline.
Comment: In summary, the available evidence is currently insufficient to determine the role of this variant in disease. Therefore, it has been classified as a Variant of Uncertain Significance. Algorithms developed to predict the effect of missense changes on protein structure and function output the following: SIFT: "Not Available"; PolyPhen-2: "Benign"; Align-GVGD: "Not Available". The lysine amino acid residue is found in multiple mammalian species, which suggests that this missense change does not adversely affect protein function. ClinVar contains an entry for this variant (Variation ID: 1932916). This variant has not been reported in the literature in individuals affected with IMPG1-related conditions. This variant is present in population databases (rs774782339, gnomAD 0.007%). This sequence change replaces glutamic acid, which is acidic and polar, with lysine, which is basic and polar, at codon 513 of the IMPG1 protein (p.Glu513Lys).

PreventionGenetics, part of Exact Sciences
Classification: Uncertain significance for IMPG1-related condition. Last evaluated: 2023-04-17. Review status: criteria provided, single submitter. Criteria: ACMG Guidelines, 2015. Collection method: clinical testing. Allele origin: germline.
Comment: The IMPG1 c.1537G>A variant is predicted to result in the amino acid substitution p.Glu513Lys. To our knowledge, this variant has not been reported in the literature. This variant is reported in 0.0062% of alleles in individuals of African descent in gnomAD. At this time, the clinical significance of this variant is uncertain due to the absence of conclusive functional and genetic evidence.